The following is an entry in ClinVar:

ClinVar aggregate classification (germline): Benign/Likely benign. Review status: criteria provided, multiple submitters, no conflicts (2 of 4 stars). 9 submissions from 9 submitters: Benign (6); Likely benign (1). 2 of the submissions do not count toward it. Last evaluated 2026-02-04.

Conditions:
Spastic ataxia 4. Identifiers: Orphanet 254343, MedGen C3150925, MONDO:0013354, OMIM 613672.

Allele frequency attached by ClinVar (database versions not stated): 1000 Genomes Project 30x 0.22314; 1000 Genomes Project 0.22564; gnomAD exomes 0.24719 and 0.26877; TOPMed 0.24800; gnomAD 0.25230 and 0.25271; ExAC 0.26018; ESP Exome Variant Server 0.26918.
gnomAD v4.1: 418,860 of 1,569,076 alleles (27%); highest among the groups gnomAD compares: Non-Finnish European, 28%; 57,163 homozygotes.

Submissions (9):

Labcorp Genetics (formerly Invitae), Labcorp
Classification: Benign. Last evaluated: 2026-02-04. Review status: criteria provided, single submitter. Criteria: Invitae Variant Classification Sherloc (09022015). Collection method: clinical testing. Allele origin: germline.

Blueprint Genetics
Classification: Likely benign. Last evaluated: 2024-11-27. Review status: criteria provided, single submitter. Criteria: ACMG Guidelines, 2015. Collection method: clinical testing. Allele origin: germline.

Genome-Nilou Lab
Classification: Benign for Spastic ataxia 4. Last evaluated: 2021-09-05. Review status: criteria provided, single submitter. Criteria: ACMG Guidelines, 2015. Collection method: clinical testing. Allele origin: germline. Affected: no.

Clinical Genetics DNA and cytogenetics Diagnostics Lab, Erasmus MC, Erasmus Medical Center
Classification: Benign for Spastic ataxia 4. Last evaluated: 2015-09-21. Review status: criteria provided, single submitter. Criteria: ACGS Guidelines, 2013. Collection method: clinical testing. Allele origin: germline. Affected: yes. Study: VKGL Data-share Consensus.

GeneDx
Classification: Benign. Last evaluated: 2013-09-06. Review status: criteria provided, single submitter. Criteria: GeneDx Variant Classification (06012015). Collection method: clinical testing. Allele origin: germline. Affected: yes.
Comment: This variant is considered likely benign or benign based on one or more of the following criteria: it is a conservative change, it occurs at a poorly conserved position in the protein, it is predicted to be benign by multiple in silico algorithms, and/or has population frequency not consistent with disease.

Breakthrough Genomics
Classification: Benign. Review status: criteria provided, single submitter. Criteria: ACMG Guidelines, 2015. Collection method: not provided. Allele origin: germline. Inheritance: Autosomal recessive inheritance. Affected: yes.

PreventionGenetics, part of Exact Sciences
Classification: Benign. Review status: criteria provided, single submitter. Criteria: ACMG Guidelines, 2015. Collection method: clinical testing. Allele origin: germline.

Diagnostic Laboratory, Department of Genetics, University Medical Center Groningen
Classification: Benign for Spastic ataxia 4. Review status: no assertion criteria provided. Collection method: clinical testing. Allele origin: germline. Affected: yes. Study: VKGL Data-share Consensus. Not counted in ClinVar's aggregate classification.

Joint Genome Diagnostic Labs from Nijmegen and Maastricht, Radboudumc and MUMC+
Classification: Benign. Review status: no assertion criteria provided. Collection method: clinical testing. Allele origin: germline. Affected: yes. Study: VKGL Data-share Consensus. Not counted in ClinVar's aggregate classification.

NM_018109.4(MTPAP):c.555+19C>T

Gene: MTPAP (mitochondrial poly(A) polymerase; minus strand). Cytogenetic location: 10p11.23.
Variant type: single nucleotide variant.
Coding change: c.555+19C>T on transcript NM_018109.4 (MANE Select); 19 bases into the intron after coding-DNA position 555, C replaced by T.
Molecular consequence: intron variant.
Genome position (GRCh38, 1-based): chr10:30,340,207, G>A on the plus strand (C>T on the coding strand, the complement: MTPAP is on the minus strand). VCF-style: chr10-30340207-G-A. GRCh37 (hg19) VCF-style: chr10-30629136-G-A.
Identifiers: ClinVar variation 138281 (VCV000138281.18), dbSNP rs1047988, ClinGen allele CA292204.
Genomic context (GRCh38, chr10:30,340,207, plus strand): 5'-CTTGAACATTTTACAGGAATCTTTATTGTTCATAAAAAAATACATAGTTCTAAAAGTTGA[G>A]GTACACCTAAAAACTTACACTTTCTGCATAACAAAGTAATTCAAAAAGCTGCTTGTTTGA-3'